The following is an entry in ClinVar:

ClinVar aggregate classification (germline): Uncertain significance. Review status: criteria provided, multiple submitters, no conflicts (2 of 4 stars). 2 submissions from 2 submitters: Uncertain significance (2). Last evaluated 2022-03-19.

Conditions:
Developmental and epileptic encephalopathy, 12 (DEE12). Identifiers: MedGen C3150988, MONDO:0013389, OMIM 613722.

Allele frequency attached by ClinVar (database versions not stated): gnomAD 0.00001; TOPMed 0.00001.
gnomAD v4.1: 14 of 1,548,410 alleles (0.0009%); highest among the groups gnomAD compares: Admixed American, 0.002%; no homozygotes.

Submissions (2):

Labcorp Genetics (formerly Invitae), Labcorp
Classification: Uncertain significance for Developmental and epileptic encephalopathy, 12. Last evaluated: 2022-03-19. Review status: criteria provided, single submitter. Criteria: Invitae Variant Classification Sherloc (09022015). Collection method: clinical testing. Allele origin: germline.
Comment: This sequence change affects codon 343 of the PNKP mRNA. It is a 'silent' change, meaning that it does not change the encoded amino acid sequence of the PNKP protein. This variant also falls at the last nucleotide of exon 11, which is part of the consensus splice site for this exon. The frequency data for this variant in the population databases is considered unreliable, as metrics indicate poor data quality at this position in the gnomAD database. This variant has not been reported in the literature in individuals affected with PNKP-related conditions. ClinVar contains an entry for this variant (Variation ID: 206400). Variants that disrupt the consensus splice site are a relatively common cause of aberrant splicing (PMID: 17576681, 9536098). Algorithms developed to predict the effect of sequence changes on RNA splicing suggest that this variant is not likely to affect RNA splicing. In summary, the available evidence is currently insufficient to determine the role of this variant in disease. Therefore, it has been classified as a Variant of Uncertain Significance.

GeneDx
Classification: Uncertain significance. Last evaluated: 2020-12-30. Review status: criteria provided, single submitter. Criteria: GeneDx Variant Classification Process June 2021. Collection method: clinical testing. Allele origin: germline. Affected: yes.
Comment: Not observed at a significant frequency in large population cohorts (Lek et al., 2016); Has not been previously published as pathogenic or benign to our knowledge; In-silico analysis, which includes splice predictors and evolutionary conservation, is inconclusive as to whether the variant alters gene splicing. In the absence of RNA/functional studies, the actual effect of this sequence change is unknown.

Literature cited by the submitters: PubMed 17576681 (cited by Labcorp Genetics (formerly Invitae), Labcorp); PubMed 9536098 (cited by Labcorp Genetics (formerly Invitae), Labcorp).

NM_007254.4(PNKP):c.1029G>A (p.Pro343=)

Gene: PNKP (polynucleotide kinase 3'-phosphatase; minus strand). Cytogenetic location: 19q13.33.
Variant type: single nucleotide variant.
Coding change: c.1029G>A on transcript NM_007254.4 (MANE Select); coding-DNA position 1029, G replaced by A.
Protein change: p.Pro343=; no amino-acid change (proline 343 retained).
Molecular consequence: synonymous variant.
Genome position (GRCh38, 1-based): chr19:49,862,371, C>T on the plus strand (G>A on the coding strand, the complement: PNKP is on the minus strand). VCF-style: chr19-49862371-C-T. GRCh37 (hg19) VCF-style: chr19-50365628-C-T.
Other names: p.P343P:CCG>CCA.
Identifiers: ClinVar variation 206400 (VCV000206400.7), dbSNP rs796052853, ClinGen allele CA316480.